The following is an entry in ClinVar:

NM_001195263.2(PDZD7):c.887C>T (p.Ala296Val)

Gene: PDZD7 (PDZ domain containing 7; minus strand). Cytogenetic location: 10q24.31.
Variant type: single nucleotide variant.
Coding change: c.887C>T on transcript NM_001195263.2 (MANE Select); coding-DNA position 887, C replaced by T.
Protein change: p.Ala296Val; replaces alanine 296 with valine.
Molecular consequence: missense variant.
Genome position (GRCh38, 1-based): chr10:101,020,659, G>A on the plus strand (C>T on the coding strand, the complement: PDZD7 is on the minus strand). VCF-style: chr10-101020659-G-A. GRCh37 (hg19) VCF-style: chr10-102780416-G-A.
Other names: c.887C>T, p.Ala296Val (NM_001351044.2, NM_024895.5); short protein forms A296V.
Identifiers: ClinVar variation 1409190 (VCV001409190.8), dbSNP rs2134074581, ClinGen allele CA378229365.

ClinVar aggregate classification (germline): Uncertain significance (1 of 4 stars; one submission).

Submission:

Labcorp Genetics (formerly Invitae), Labcorp
Classification: Uncertain significance. Last evaluated: 2022-06-27. Review status: criteria provided, single submitter. Criteria: Invitae Variant Classification Sherloc (09022015). Collection method: clinical testing. Allele origin: germline.
Comment: In summary, the available evidence is currently insufficient to determine the role of this variant in disease. Therefore, it has been classified as a Variant of Uncertain Significance. Algorithms developed to predict the effect of missense changes on protein structure and function are either unavailable or do not agree on the potential impact of this missense change (SIFT: "Deleterious"; PolyPhen-2: "Not Available"; Align-GVGD: "Class C55"). This variant has not been reported in the literature in individuals affected with PDZD7-related conditions. This variant is not present in population databases (gnomAD no frequency). This sequence change replaces alanine, which is neutral and non-polar, with valine, which is neutral and non-polar, at codon 296 of the PDZD7 protein (p.Ala296Val).